The following is an entry in ClinVar:

NM_001458.5(FLNC):c.2846del (p.Asp949fs)

Gene: FLNC (filamin C; plus strand). Cytogenetic location: 7q32.1.
Variant type: Deletion.
Coding change: c.2846del on transcript NM_001458.5 (MANE Select); coding-DNA position 2846, one base deleted (A; older notation c.2846delA).
Protein change: p.Asp949fs; shifts the reading frame from aspartic acid 949.
Molecular consequence: frameshift variant.
Genome position (GRCh38, 1-based): chr7:128,843,830, A deleted. VCF-style (leftmost placement, unchanged base first): chr7-128843829-GA-G. GRCh37 (hg19) VCF-style: chr7-128483883-GA-G.
Other names: c.2846del, p.Asp949fs (NM_001127487.2); short protein forms D949fs.
Identifiers: ClinVar variation 1425509 (VCV001425509.6), dbSNP rs2128936089, ClinGen allele CA2573141722.

ClinVar aggregate classification (germline): Pathogenic (1 of 4 stars; one submission).

Conditions:
Myofibrillar myopathy 5. Also called: FILAMINOPATHY, AUTOSOMAL DOMINANT; Filaminopathy (type). Identifiers: Orphanet 171445, MedGen C1836050, MONDO:0012289, OMIM 609524.
Distal myopathy with posterior leg and anterior hand involvement. Also called: WILLIAMS DISTAL MYOPATHY. Identifiers: Orphanet 63273, MedGen C3279722, MONDO:0013550, OMIM 614065.
Hypertrophic cardiomyopathy 26. Also called: Cardiomyopathy, familial hypertrophic, 26. Identifiers: Orphanet 75249, MedGen C4310749, MONDO:0014883, OMIM 617047.

Submission:

Labcorp Genetics (formerly Invitae), Labcorp
Classification: Pathogenic for Distal myopathy with posterior leg and anterior hand involvement; Myofibrillar myopathy 5; Hypertrophic cardiomyopathy 26. Last evaluated: 2021-01-25. Review status: criteria provided, single submitter. Criteria: Invitae Variant Classification Sherloc (09022015). Collection method: clinical testing. Allele origin: germline.
Comment: This sequence change creates a premature translational stop signal (p.Asp949Alafs*10) in the FLNC gene. It is expected to result in an absent or disrupted protein product. Loss-of-function variants in FLNC are known to be pathogenic (PMID: 27908349). This variant is not present in population databases (ExAC no frequency). For these reasons, this variant has been classified as Pathogenic. This variant has not been reported in the literature in individuals with FLNC-related conditions.

Literature cited by the submitters: PubMed 27908349.